The following is an entry in ClinVar:

NM_001875.5(CPS1):c.737C>T (p.Pro246Leu)

Gene: CPS1 (carbamoyl-phosphate synthase 1; plus strand). Cytogenetic location: 2q34.
Variant type: single nucleotide variant.
Coding change: c.737C>T on transcript NM_001875.5 (MANE Select); coding-DNA position 737, C replaced by T.
Protein change: p.Pro246Leu; replaces proline 246 with leucine.
Molecular consequence: missense variant. On other transcripts: non-coding transcript variant (1).
Genome position (GRCh38, 1-based): chr2:210,590,131, C>T. VCF-style: chr2-210590131-C-T. GRCh37 (hg19) VCF-style: chr2-211454855-C-T.
Other names: c.737C>T, p.Pro246Leu (NM_001122633.3, NM_001369257.1); c.770C>T, p.Pro257Leu (NM_001369256.1); short protein forms P246L, P257L.
Identifiers: ClinVar variation 1525606 (VCV001525606.6), dbSNP rs2106107599, ClinGen allele CA350429567.

ClinVar aggregate classification (germline): Uncertain significance (1 of 4 stars; one submission).

Conditions:
Congenital hyperammonemia, type I. Also called: CPS I DEFICIENCY; Carbamoyl-phosphate synthase I deficiency; Carbamoyl phosphate synthetase I deficiency disease; Carbamoyl phosphate synthetase 1 deficiency; Hyperammonemia due to carbamoyl phosphate synthetase 1 deficiency; CPS 1 deficiency. Identifiers: Orphanet 147, MedGen C4082171, MONDO:0009376, OMIM 237300.

Submission:

Labcorp Genetics (formerly Invitae), Labcorp
Classification: Uncertain significance for Congenital hyperammonemia, type I. Last evaluated: 2025-06-09. Review status: criteria provided, single submitter. Criteria: Invitae Variant Classification Sherloc (09022015). Collection method: clinical testing. Allele origin: germline.
Comment: This sequence change replaces proline, which is neutral and non-polar, with leucine, which is neutral and non-polar, at codon 246 of the CPS1 protein (p.Pro246Leu). This variant is not present in population databases (gnomAD no frequency). This variant has not been reported in the literature in individuals affected with CPS1-related conditions. ClinVar contains an entry for this variant (Variation ID: 1525606). Invitae Evidence Modeling of protein sequence and biophysical properties (such as structural, functional, and spatial information, amino acid conservation, physicochemical variation, residue mobility, and thermodynamic stability) has been performed for this missense variant. However, the output from this modeling did not meet the statistical confidence thresholds required to predict the impact of this variant on CPS1 protein function. In summary, the available evidence is currently insufficient to determine the role of this variant in disease. Therefore, it has been classified as a Variant of Uncertain Significance.